The following is an entry in ClinVar:

NM_000179.3(MSH6):c.1868C>G (p.Pro623Arg)

Gene: MSH6 (mutS homolog 6; plus strand). Cytogenetic location: 2p16.3.
Variant type: single nucleotide variant.
Coding change: c.1868C>G on transcript NM_000179.3 (MANE Select); coding-DNA position 1868, C replaced by G.
Protein change: p.Pro623Arg; replaces proline 623 with arginine.
Molecular consequence: missense variant. On other transcripts: non-coding transcript variant (5), intron variant (2).
Genome position (GRCh38, 1-based): chr2:47,799,851, C>G. VCF-style: chr2-47799851-C-G. GRCh37 (hg19) VCF-style: chr2-48026990-C-G.
Other names: c.1478C>G, p.Pro493Arg (NM_001281492.2); c.962C>G, p.Pro321Arg (NM_001281493.2, NM_001281494.2, NM_001406811.1 and 6 more transcripts); c.1964C>G, p.Pro655Arg (NM_001406795.1, NM_001406802.1); c.1868C>G, p.Pro623Arg (NM_001406796.1, NM_001406798.1, NM_001406800.1 and 3 more transcripts); c.1571C>G, p.Pro524Arg (NM_001406797.1, NM_001406801.1, NM_001406805.1 and 10 more transcripts); c.1343C>G, p.Pro448Arg (NM_001406799.1, NM_001406806.1, NM_001406807.1); c.1790C>G, p.Pro597Arg (NM_001406804.1); c.1874C>G, p.Pro625Arg (NM_001406813.1); and 3 more; short protein forms P524R, P567R, P597R, P448R, P623R, P625R, P655R, P321R.
Identifiers: ClinVar variation 2587332 (VCV002587332.4), dbSNP rs63750462, ClinGen allele CA346749882.
Genomic context (GRCh38, chr2:47,799,851, plus strand): 5'-AGGAAACTAAAACAATTCTAAAGAGTTCATTGTCCTGTTCTCTTCAGGAAGGTCTGATAC[C>G]CGGCTCCCAGTTTTGGGATGCATCCAAAACTTTGAGAACTCTCCTTGAGGAAGAATATTT-3'
Protein context (NP_000170.1, residues 613-633): LSCSLQEGLI[Pro623Arg]GSQFWDASKT

ClinVar aggregate classification (germline): Uncertain significance. Review status: criteria provided, multiple submitters, no conflicts (2 of 4 stars). 3 submissions from 3 submitters: Uncertain significance (3). Last evaluated 2025-03-04.

Conditions:
Hereditary nonpolyposis colorectal neoplasms. Identifiers: MedGen C0009405, MeSH D003123.
Hereditary cancer-predisposing syndrome. Also called: Tumor predisposition; Hereditary Cancer Syndrome; Hereditary neoplastic syndrome; Neoplastic Syndromes, Hereditary. Identifiers: Orphanet 140162, MedGen C0027672, MeSH D009386, MONDO:0015356.

gnomAD v4.1: 8 of 1,614,032 alleles (0.0005%); highest among the groups gnomAD compares: Non-Finnish European, 0.00068%; no homozygotes.

Submissions (3):

Center for Genomic Medicine, Rigshospitalet, Copenhagen University Hospital
Classification: Uncertain significance. Last evaluated: 2025-03-04. Review status: criteria provided, single submitter. Criteria: ACMG Guidelines, 2015. Collection method: clinical testing. Allele origin: germline.

Labcorp Genetics (formerly Invitae), Labcorp
Classification: Uncertain significance for Hereditary nonpolyposis colorectal neoplasms. Last evaluated: 2025-02-11. Review status: criteria provided, single submitter. Criteria: Invitae Variant Classification Sherloc (09022015). Collection method: clinical testing. Allele origin: germline.
Comment: This sequence change replaces proline, which is neutral and non-polar, with arginine, which is basic and polar, at codon 623 of the MSH6 protein (p.Pro623Arg). This variant is not present in population databases (gnomAD no frequency). This variant has not been reported in the literature in individuals affected with MSH6-related conditions. ClinVar contains an entry for this variant (Variation ID: 2587332). Invitae Evidence Modeling of protein sequence and biophysical properties (such as structural, functional, and spatial information, amino acid conservation, physicochemical variation, residue mobility, and thermodynamic stability) indicates that this missense variant is not expected to disrupt MSH6 protein function with a negative predictive value of 95%. In summary, the available evidence is currently insufficient to determine the role of this variant in disease. Therefore, it has been classified as a Variant of Uncertain Significance.

Ambry Genetics
Classification: Uncertain significance for Hereditary cancer-predisposing syndrome. Last evaluated: 2023-07-28. Review status: criteria provided, single submitter. Criteria: Ambry Variant Classification Scheme 2023. Collection method: clinical testing. Allele origin: germline.
Comment: The p.P623R variant (also known as c.1868C>G), located in coding exon 4 of the MSH6 gene, results from a C to G substitution at nucleotide position 1868. The proline at codon 623 is replaced by arginine, an amino acid with dissimilar properties. This amino acid position is not well conserved in available vertebrate species. In addition, the in silico prediction for this alteration is inconclusive. Since supporting evidence is limited at this time, the clinical significance of this alteration remains unclear.